The following is an entry in ClinVar:

NM_020738.4(KIDINS220):c.505-16_505-15del

Gene: KIDINS220 (kinase D interacting substrate 220; minus strand). Cytogenetic location: 2p25.1.
Variant type: Deletion.
Coding change: c.505-16_505-15del on transcript NM_020738.4 (MANE Select); 16 bases into the intron before coding-DNA position 505 through 15 bases into the intron before coding-DNA position 505, 2 bases deleted (TT; older notation c.505-16_505-15delTT).
Molecular consequence: intron variant.
Genome position (GRCh38, 1-based): chr2:8,806,384-8,806,385, AA deleted on the plus strand (TT on the coding strand, the reverse complement: KIDINS220 is on the minus strand). VCF-style (leftmost placement, unchanged base first): chr2-8806383-CAA-C. GRCh37 (hg19) VCF-style: chr2-8946513-CAA-C.
Other names: c.505-16_505-15del (NM_001348741.2, NM_001348738.2, NM_001348742.2 and 3 more transcripts); c.508-16_508-15del (NM_001348739.2, NM_001348740.2, NM_001348734.2 and 3 more transcripts); c.379-16_379-15del (NM_001348736.2).
Identifiers: ClinVar variation 4686031 (VCV004686031.2).

ClinVar aggregate classification (germline): Uncertain significance. Review status: criteria provided, multiple submitters, no conflicts (2 of 4 stars). 2 submissions from 2 submitters: Uncertain significance (2). Last evaluated 2026-02-12.

Submissions (2):

GeneDx
Classification: Uncertain significance. Last evaluated: 2026-02-12. Review status: criteria provided, single submitter. Criteria: GeneDx Variant Classification Process June 2021. Collection method: clinical testing. Allele origin: germline.
Comment: Not observed at significant frequency in large population cohorts (gnomAD); In silico analysis supports a deleterious effect on splicing; Has not been previously published as pathogenic or benign to our knowledge

ARUP Laboratories, Molecular Genetics and Genomics, ARUP Laboratories
Classification: Uncertain significance. Review status: criteria provided, single submitter. Criteria: ARUP Molecular Germline Variant Investigation Process 2024. Collection method: clinical testing. Allele origin: germline.
Comment: The KIDINS220 c.505-16_505-15del variant, to our knowledge, is not reported in the medical literature or gene specific databases. This variant is absent from the Genome Aggregation Database (v2.1.1), indicating it is not a common polymorphism. This is an intronic variant and computational analyses (Alamut Visual Plus v.1.12) predict that this variant may impact splicing by creating a novel cryptic acceptor splice site and weakening the nearby canonical acceptor splice site. However, given the lack of clinical and functional data, the significance of this variant is uncertain at this time.